The following is an entry in ClinVar:

NM_001378615.1(CC2D2A):c.3190C>T (p.Gln1064Ter)

Genes: CC2D2A (coiled-coil and C2 domain containing 2A; plus strand), FBXL5 (F-box and leucine rich repeat protein 5; minus strand). Cytogenetic location: 4p15.32.
Variant type: single nucleotide variant.
Coding change: c.3190C>T on transcript NM_001378615.1 (MANE Select); coding-DNA position 3190, C replaced by T.
Protein change: p.Gln1064Ter; replaces glutamine 1064 with a stop codon.
Molecular consequence: nonsense.
Genome position (GRCh38, 1-based): chr4:15,567,384, C>T. VCF-style: chr4-15567384-C-T. GRCh37 (hg19) VCF-style: chr4-15569007-C-T.
Other names: c.3190C>T, p.Gln1064Ter (NM_001080522.2); c.3043C>T, p.Gln1015Ter (NM_001378617.1); short protein forms Q1015*, Q1064*.
Identifiers: ClinVar variation 5015405 (VCV005015405.1).

ClinVar aggregate classification (germline): Pathogenic (1 of 4 stars; one submission).

Conditions:
Joubert syndrome and related disorders. Identifiers: Orphanet 140874, MedGen C5679612, MONDO:0015369.

gnomAD v4.1: 1 of 1,612,418 alleles (0.000062%); highest among the groups gnomAD compares: South Asian, 0.0011%; no homozygotes.

Submission:

Myriad Genetics, Inc.
Classification: Pathogenic for Joubert syndrome and related disorders. Last evaluated: 2026-01-10. Review status: criteria provided, single submitter. Criteria: Myriad Autosomal Dominant, Autosomal Recessive and X-Linked Classification Criteria (2023). Collection method: clinical testing. Allele origin: unknown.
Comment: NM_001080522.2(CC2D2A):c.3190C>T(Q1064*) is expected to be pathogenic in the context of CC2D2A-related disorders. This variant is predicted to lead to an abnormal or absent protein product due to the creation of a premature termination codon in CC2D2A, a gene where loss-of-function variants are known to be pathogenic. Please note: this variant was assessed in the context of healthy population screening.